The following is an entry in ClinVar:

NM_014324.6(AMACR):c.1036A>G (p.Ile346Val)

Genes: AMACR (alpha-methylacyl-CoA racemase; minus strand), C1QTNF3-AMACR (C1QTNF3-AMACR readthrough (NMD candidate); minus strand). Cytogenetic location: 5p13.2.
Variant type: single nucleotide variant.
Coding change: c.1036A>G on transcript NM_014324.6 (MANE Select); coding-DNA position 1036, A replaced by G.
Protein change: p.Ile346Val; replaces isoleucine 346 with valine.
Molecular consequence: missense variant. On other transcripts: non-coding transcript variant (1), 3 prime UTR variant (1).
Genome position (GRCh38, 1-based): chr5:33,989,206, T>C on the plus strand (A>G on the coding strand, the complement: AMACR is on the minus strand). VCF-style: chr5-33989206-T-C. GRCh37 (hg19) VCF-style: chr5-33989311-T-C.
Other names: c.1036A>G, p.Ile346Val (NM_001167595.2); c.*278A>G (NM_203382.3); short protein forms I346V.
Identifiers: ClinVar variation 2087582 (VCV002087582.4), dbSNP rs2112032237, ClinGen allele CA359398778.

ClinVar aggregate classification (germline): Uncertain significance (1 of 4 stars; one submission).

Conditions:
Alpha-methylacyl-CoA racemase deficiency (AMACRD). Also called: AMACR deficiency. Identifiers: Orphanet 79095, MedGen C3280428, MONDO:0013681, OMIM 614307. Disease mechanism: loss of function.

Submission:

Labcorp Genetics (formerly Invitae), Labcorp
Classification: Uncertain significance for Alpha-methylacyl-CoA racemase deficiency. Last evaluated: 2022-05-12. Review status: criteria provided, single submitter. Criteria: Invitae Variant Classification Sherloc (09022015). Collection method: clinical testing. Allele origin: germline.
Comment: In summary, the available evidence is currently insufficient to determine the role of this variant in disease. Therefore, it has been classified as a Variant of Uncertain Significance. Algorithms developed to predict the effect of missense changes on protein structure and function output the following: SIFT: "Tolerated"; PolyPhen-2: "Benign"; Align-GVGD: "Class C0". The valine amino acid residue is found in multiple mammalian species, which suggests that this missense change does not adversely affect protein function. This variant has not been reported in the literature in individuals affected with AMACR-related conditions. This variant is not present in population databases (gnomAD no frequency). This sequence change replaces isoleucine, which is neutral and non-polar, with valine, which is neutral and non-polar, at codon 346 of the AMACR protein (p.Ile346Val).